The following is an entry in ClinVar:

ClinVar aggregate classification (germline): Uncertain significance. Review status: criteria provided, multiple submitters, no conflicts (2 of 4 stars). 2 submissions from 2 submitters: Uncertain significance (2). Last evaluated 2024-11-26.

Conditions:
Epileptic encephalopathy. Identifiers: MedGen C0543888, HP:0200134.

Allele frequency attached by ClinVar (database versions not stated): gnomAD 0.00001; gnomAD exomes 0.00001.
gnomAD v4.1: 9 of 1,576,112 alleles (0.00057%); highest among the groups gnomAD compares: East Asian, 0.0023%; no homozygotes.

Submissions (2):

Ambry Genetics
Classification: Uncertain significance. Last evaluated: 2024-11-26. Review status: criteria provided, single submitter. Criteria: Ambry Variant Classification Scheme 2023. Collection method: clinical testing. Allele origin: germline.

Labcorp Genetics (formerly Invitae), Labcorp
Classification: Uncertain significance for Epileptic encephalopathy. Last evaluated: 2023-05-22. Review status: criteria provided, single submitter. Criteria: Invitae Variant Classification Sherloc (09022015). Collection method: clinical testing. Allele origin: germline.
Comment: In summary, the available evidence is currently insufficient to determine the role of this variant in disease. Therefore, it has been classified as a Variant of Uncertain Significance. Advanced modeling of protein sequence and biophysical properties (such as structural, functional, and spatial information, amino acid conservation, physicochemical variation, residue mobility, and thermodynamic stability) has been performed at Invitae for this missense variant, however the output from this modeling did not meet the statistical confidence thresholds required to predict the impact of this variant on RYR3 protein function. ClinVar contains an entry for this variant (Variation ID: 531060). This variant has not been reported in the literature in individuals affected with RYR3-related conditions. The frequency data for this variant in the population databases is considered unreliable, as metrics indicate poor data quality at this position in the gnomAD database. This sequence change replaces histidine, which is basic and polar, with arginine, which is basic and polar, at codon 4609 of the RYR3 protein (p.His4609Arg).

NM_001036.6(RYR3):c.13826A>G (p.His4609Arg)

Genes: AVEN (apoptosis and caspase activation inhibitor; minus strand), RYR3 (ryanodine receptor 3; plus strand). Cytogenetic location: 15q14.
Variant type: single nucleotide variant.
Coding change: c.13826A>G on transcript NM_001036.6 (MANE Select); coding-DNA position 13826, A replaced by G.
Protein change: p.His4609Arg; replaces histidine 4609 with arginine.
Molecular consequence: missense variant.
Genome position (GRCh38, 1-based): chr15:33,854,415, A>G. VCF-style: chr15-33854415-A-G. GRCh37 (hg19) VCF-style: chr15-34146616-A-G.
Other names: c.13826A>G (NM_001036.3); c.13811A>G, p.His4604Arg (NM_001243996.4); short protein forms H4609R, H4604R.
Identifiers: ClinVar variation 531060 (VCV000531060.9), dbSNP rs1465461269, ClinGen allele CA391600569.